The following is an entry in ClinVar:

ClinVar aggregate classification (germline): Likely benign (1 of 4 stars; one submission).

Allele frequency attached by ClinVar (database versions not stated): gnomAD exomes below 0.00001.
gnomAD v4.1: 1 of 1,613,632 alleles (0.000062%); highest among the groups gnomAD compares: Non-Finnish European, 0.000085%; no homozygotes.

Submission:

GeneDx
Classification: Likely benign. Last evaluated: 2018-05-02. Review status: criteria provided, single submitter. Criteria: GeneDx Variant Classification (06012015). Collection method: clinical testing. Allele origin: germline. Affected: yes.
Comment: This variant is considered likely benign or benign based on one or more of the following criteria: it is a conservative change, it occurs at a poorly conserved position in the protein, it is predicted to be benign by multiple in silico algorithms, and/or has population frequency not consistent with disease.

NM_177559.3(CSNK2A1):c.973+3G>A

Gene: CSNK2A1 (casein kinase 2 alpha 1; minus strand). Cytogenetic location: 20p13.
Variant type: single nucleotide variant.
Coding change: c.973+3G>A on transcript NM_177559.3 (MANE Select); 3 bases into the intron after coding-DNA position 973, G replaced by A.
Molecular consequence: intron variant.
Genome position (GRCh38, 1-based): chr20:487,424, C>T on the plus strand (G>A on the coding strand, the complement: CSNK2A1 is on the minus strand). VCF-style: chr20-487424-C-T. GRCh37 (hg19) VCF-style: chr20-468068-C-T.
Other names: c.565+3G>A (NM_177560.3); c.973+3G>A (NM_001362771.2, NM_001895.4, NM_001362770.2).
Identifiers: ClinVar variation 682512 (VCV000682512.1), dbSNP rs1600370265, ClinGen allele CA915953074.